The following is an entry in ClinVar:

ClinVar aggregate classification (germline): Likely benign. Review status: criteria provided, multiple submitters, no conflicts (2 of 4 stars). 3 submissions from 3 submitters: Likely benign (2). 1 of the submissions does not count toward it. Last evaluated 2025-07-29.

Conditions:
ADAMTS18-related disorder. Also called: ADAMTS18-related condition.

Allele frequency attached by ClinVar (database versions not stated): ExAC 0.00006; ESP Exome Variant Server 0.00008; TOPMed 0.00010; gnomAD 0.00011 and 0.00013.
gnomAD v4.1: 81 of 1,614,074 alleles (0.005%); highest among the groups gnomAD compares: Middle Eastern, 0.082%; no homozygotes.

Submissions (3):

Labcorp Genetics (formerly Invitae), Labcorp
Classification: Likely benign. Last evaluated: 2025-07-29. Review status: criteria provided, single submitter. Criteria: Invitae Variant Classification Sherloc (09022015). Collection method: clinical testing. Allele origin: germline.

Blueprint Genetics
Classification: Likely benign. Last evaluated: 2024-05-23. Review status: criteria provided, single submitter. Criteria: ACMG Guidelines, 2015. Collection method: clinical testing. Allele origin: germline.

PreventionGenetics, part of Exact Sciences
Classification: Likely benign for ADAMTS18-related condition. Last evaluated: 2019-08-30. Review status: no assertion criteria provided. Collection method: clinical testing. Allele origin: germline. Not counted in ClinVar's aggregate classification.
Comment: This variant is classified as likely benign based on ACMG/AMP sequence variant interpretation guidelines (Richards et al. 2015 PMID: 25741868, with internal and published modifications).

NM_199355.4(ADAMTS18):c.2826A>G (p.Thr942=)

Gene: ADAMTS18 (ADAM metallopeptidase with thrombospondin type 1 motif 18; minus strand). Cytogenetic location: 16q23.1.
Variant type: single nucleotide variant.
Coding change: c.2826A>G on transcript NM_199355.4 (MANE Select); coding-DNA position 2826, A replaced by G.
Protein change: p.Thr942=; no amino-acid change (threonine 942 retained).
Molecular consequence: synonymous variant.
Genome position (GRCh38, 1-based): chr16:77,295,103, T>C on the plus strand (A>G on the coding strand, the complement: ADAMTS18 is on the minus strand). VCF-style: chr16-77295103-T-C. GRCh37 (hg19) VCF-style: chr16-77329000-T-C.
Other names: c.2310A>G, p.Thr770= (NM_001326358.2).
Identifiers: ClinVar variation 795056 (VCV000795056.11), dbSNP rs142130362, ClinGen allele CA8180718.